The following is an entry in ClinVar:

ClinVar aggregate classification (germline): Uncertain significance. Review status: criteria provided, multiple submitters, no conflicts (2 of 4 stars). 2 submissions from 2 submitters: Uncertain significance (2). Last evaluated 2025-04-12.

Conditions:
Inborn genetic diseases. Identifiers: MedGen C0950123, MeSH D030342.

Submissions (2):

Ambry Genetics
Classification: Uncertain significance for Inborn genetic diseases. Last evaluated: 2025-04-12. Review status: criteria provided, single submitter. Criteria: Ambry Variant Classification Scheme 2023. Collection method: clinical testing. Allele origin: germline.

CeGaT Center for Human Genetics Tuebingen
Classification: Uncertain significance. Last evaluated: 2024-07-01. Review status: criteria provided, single submitter. Criteria: CeGaT Center For Human Genetics Tuebingen Variant Classification Criteria Version 2. Collection method: clinical testing. Allele origin: germline. Affected: yes. Observed: 1 variant allele.
Comment: APC2: PM2

NM_005883.3(APC2):c.4564G>T (p.Ala1522Ser)

Gene: APC2 (APC regulator of Wnt signaling pathway 2; plus strand). Cytogenetic location: 19p13.3.
Variant type: single nucleotide variant.
Coding change: c.4564G>T on transcript NM_005883.3 (MANE Select); coding-DNA position 4564, G replaced by T.
Protein change: p.Ala1522Ser; replaces alanine 1522 with serine.
Molecular consequence: missense variant.
Genome position (GRCh38, 1-based): chr19:1,467,865, G>T. VCF-style: chr19-1467865-G-T. GRCh37 (hg19) VCF-style: chr19-1467864-G-T.
Other names: c.4564G>T (NM_005883.2); c.4561G>T, p.Ala1521Ser (NM_001351273.1); short protein forms A1521S, A1522S.
Identifiers: ClinVar variation 3257127 (VCV003257127.17).
Genomic context (GRCh38, chr19:1,467,865, plus strand): 5'-ACTGAGGAGGCCGTGTACTGCTTCTACGGCAACGACTCGGACGAGGAGCCCCCGGCGGCC[G>T]CGCCCACGCCAACCCACCGGCGCACATCGGCCATCCCTCGCGCTTTTACGCGGGAGCGTC-3'
Protein context (NP_005874.1, residues 1512-1532): NDSDEEPPAA[Ala1522Ser]PTPTHRRTSA